The following is an entry in ClinVar:

NM_000443.4(ABCB4):c.1399T>G (p.Tyr467Asp)

Gene: ABCB4 (ATP binding cassette subfamily B member 4; minus strand). Cytogenetic location: 7q21.12.
Variant type: single nucleotide variant.
Coding change: c.1399T>G on transcript NM_000443.4 (MANE Select); coding-DNA position 1399, T replaced by G.
Protein change: p.Tyr467Asp; replaces tyrosine 467 with aspartic acid.
Molecular consequence: missense variant.
Genome position (GRCh38, 1-based): chr7:87,440,360, A>C on the plus strand (T>G on the coding strand, the complement: ABCB4 is on the minus strand). VCF-style: chr7-87440360-A-C. GRCh37 (hg19) VCF-style: chr7-87069676-A-C.
Other names: c.1399T>G, p.Tyr467Asp (NM_018849.3, NM_018850.3); short protein forms Y467D.
Identifiers: ClinVar variation 4846678 (VCV004846678.1).

ClinVar aggregate classification (germline): Uncertain significance (1 of 4 stars; one submission).

Conditions:
Familial intrahepatic cholestasis. Identifiers: Orphanet 284385, MedGen CN296401, MONDO:0017290.
Low phospholipid associated cholelithiasis (GBD1). Also called: Gallbladder disease 1; Gallstone cholecystitis. Identifiers: Orphanet 69663, MedGen C2609268, MONDO:0010939, OMIM 600803.

gnomAD v4.1: 6 of 1,614,172 alleles (0.00037%); highest among the groups gnomAD compares: South Asian, 0.0066%; no homozygotes.

Submission:

Genomenon, Inc
Classification: Uncertain significance for Familial intrahepatic cholestasis; Low phospholipid associated cholelithiasis. Last evaluated: 2026-04-14. Review status: criteria provided, single submitter. Criteria: Genomenon Sequence Variant Interpretation Standards - Updated. Collection method: curation. Allele origin: germline. Affected: no.
Comment: ABCB4 p.Tyr467Asp (c.1399T>G) is a missense variant that changes the amino acid at residue 467 from Tyrosine to Aspartic acid. This variant has been reported in the published literature (PMID:37208429;31538484). It is absent or not present at a significant frequency in gnomAD. In conclusion, we classify ABCB4 p.Tyr467Asp (c.1399T>G) as a variant of uncertain significance.

Literature cited by the submitters: PubMed 37208429; PubMed 31538484.